The following is an entry in ClinVar:

NM_002778.4(PSAP):c.1402del (p.Glu468fs)

Gene: PSAP (prosaposin; minus strand). Cytogenetic location: 10q22.1.
Variant type: Deletion.
Coding change: c.1402del on transcript NM_002778.4 (MANE Select); coding-DNA position 1402, one base deleted (G; older notation c.1402delG).
Protein change: p.Glu468fs; shifts the reading frame from glutamic acid 468.
Molecular consequence: frameshift variant.
Genome position (GRCh38, 1-based): chr10:71,819,060, C deleted on the plus strand (G on the coding strand, the reverse complement: PSAP is on the minus strand); the first of 2 consecutive C bases (chr10:71,819,060-71,819,061); deleting either gives the same sequence. VCF-style (leftmost placement, unchanged base first): chr10-71819059-TC-T. GRCh37 (hg19) VCF-style: chr10-73578816-TC-T.
Other names: c.1411del, p.Glu471fs (NM_001042465.3); c.1408del, p.Glu470fs (NM_001042466.3); short protein forms E468fs, E470fs, E471fs.
Identifiers: ClinVar variation 2763225 (VCV002763225.3), dbSNP rs2494494292, ClinGen allele CA2574575822.
Genomic context (GRCh38, chr10:71,819,059, plus strand): 5'-CCGAGAGGACCACACCACCCAGTGAGGCTCACCAAGCACACGAAGGAAGGATCCATCACC[TC>T]CACCAGGATCTCGATCAGCACGGGCTCGTACTCTGCCACAAACTGATCACACTATAAAGG-3'

ClinVar aggregate classification (germline): Pathogenic (1 of 4 stars; one submission).

Conditions:
Sphingolipid activator protein 1 deficiency. Also called: Saposin B Deficiency; METACHROMATIC LEUKODYSTROPHY DUE TO CEREBROSIDE SULFATASE ACTIVATOR DEFICIENCY; Metachromatic leukodystrophy due to saposin B deficiency. Identifiers: Orphanet 512, MedGen C0268262, MONDO:0009590, OMIM 249900.

Submission:

Labcorp Genetics (formerly Invitae), Labcorp
Classification: Pathogenic for Sphingolipid activator protein 1 deficiency. Last evaluated: 2023-10-06. Review status: criteria provided, single submitter. Criteria: Invitae Variant Classification Sherloc (09022015). Collection method: clinical testing. Allele origin: germline.
Comment: This sequence change creates a premature translational stop signal (p.Glu468Argfs*2) in the PSAP gene. It is expected to result in an absent or disrupted protein product. Loss-of-function variants in PSAP are known to be pathogenic (PMID: 8554069, 11309366, 17616409, 19267410, 30632081). This variant is not present in population databases (gnomAD no frequency). This variant has not been reported in the literature in individuals affected with PSAP-related conditions. Algorithms developed to predict the effect of sequence changes on RNA splicing suggest that this variant may disrupt the consensus splice site. For these reasons, this variant has been classified as Pathogenic.

Literature cited by the submitters: PubMed 8554069; PubMed 11309366; PubMed 17616409; PubMed 19267410; PubMed 30632081.